The following is an entry in ClinVar:

NM_001130438.3(SPTAN1):c.6851A>C (p.Asp2284Ala)

Gene: SPTAN1 (spectrin alpha, non-erythrocytic 1; plus strand). Cytogenetic location: 9q34.11.
Variant type: single nucleotide variant.
Coding change: c.6851A>C on transcript NM_001130438.3 (MANE Select); coding-DNA position 6851, A replaced by C.
Protein change: p.Asp2284Ala; replaces aspartic acid 2284 with alanine.
Molecular consequence: missense variant.
Genome position (GRCh38, 1-based): chr9:128,632,215, A>C. VCF-style: chr9-128632215-A-C. GRCh37 (hg19) VCF-style: chr9-131394494-A-C.
Other names: c.6833A>C, p.Asp2278Ala (NM_001375313.1); c.6791A>C, p.Asp2264Ala (NM_001375314.2, NM_001363765.2); c.6950A>C, p.Asp2317Ala (NM_001375318.1); c.6836A>C, p.Asp2279Ala (NM_003127.4); c.6776A>C, p.Asp2259Ala (NM_001195532.2); c.6914A>C, p.Asp2305Ala (NM_001363759.2); c.6938A>C, p.Asp2313Ala (NM_001375310.1); c.6851A>C, p.Asp2284Ala (NM_001375311.2); and 1 more; short protein forms D2259A, D2264A, D2296A, D2279A, D2313A, D2317A, D2278A, D2284A.
Identifiers: ClinVar variation 3635929 (VCV003635929.2).
Genomic context (GRCh38, chr9:128,632,215, plus strand): 5'-GAAGTCAGCTCAAAAAGATCGAGGACCTGGGGGCCGCCATGGAGGAGGCCCTCATCCTGG[A>C]CAACAAGTACACGGAGCACAGCACCGTGGGCCTCGCCCAGCAGTGGGACCAGCTGGACCA-3'
Protein context (NP_001123910.1, residues 2274-2294): GAAMEEALIL[Asp2284Ala]NKYTEHSTVG

ClinVar aggregate classification (germline): Uncertain significance (1 of 4 stars; one submission).

Conditions:
Early-infantile DEE. Also called: Early infantile epileptic encephalopathy; Ohtahara syndrome; Early infantile epileptic encephalopathy with suppression bursts. Identifiers: Orphanet 1934, MedGen C0393706, MONDO:0800491.

Submission:

Labcorp Genetics (formerly Invitae), Labcorp
Classification: Uncertain significance for Early-infantile DEE. Last evaluated: 2024-12-24. Review status: criteria provided, single submitter. Criteria: Invitae Variant Classification Sherloc (09022015). Collection method: clinical testing. Allele origin: germline.
Comment: This sequence change replaces aspartic acid, which is acidic and polar, with alanine, which is neutral and non-polar, at codon 2284 of the SPTAN1 protein (p.Asp2284Ala). This variant is not present in population databases (gnomAD no frequency). This variant has not been reported in the literature in individuals affected with SPTAN1-related conditions. Invitae Evidence Modeling of protein sequence and biophysical properties (such as structural, functional, and spatial information, amino acid conservation, physicochemical variation, residue mobility, and thermodynamic stability) has been performed for this missense variant. However, the output from this modeling did not meet the statistical confidence thresholds required to predict the impact of this variant on SPTAN1 protein function. In summary, the available evidence is currently insufficient to determine the role of this variant in disease. Therefore, it has been classified as a Variant of Uncertain Significance.